The following is an entry in ClinVar:

ClinVar aggregate classification (germline): Likely pathogenic (1 of 4 stars; one submission).

Conditions:
Vertebral, cardiac, renal, and limb defects syndrome 1. Also called: 3-HYDROXYANTHRANILIC ACIDEMIA; CONGENITAL NAD DEFICIENCY DISORDER 1. Identifiers: MedGen C4540004, MONDO:0060554, OMIM 617660.

Allele frequency attached by ClinVar (database versions not stated): gnomAD exomes below 0.00001 and 0.00001; gnomAD 0.00001 and 0.00002; TOPMed 0.00002.

Submission:

Laboratorio de Genetica e Diagnostico Molecular, Hospital Israelita Albert Einstein
Classification: Likely pathogenic for Vertebral, cardiac, renal, and limb defects syndrome 1. Last evaluated: 2021-07-13. Review status: criteria provided, single submitter. Criteria: ACMG Guidelines, 2015. Collection method: clinical testing. Allele origin: germline. Affected: yes.
Comment: ACMG classification criteria: PVS1 very strong, PM2

NM_012205.3(HAAO):c.21del (p.Arg8fs)

Genes: HAAO (3-hydroxyanthranilate 3,4-dioxygenase; minus strand), LOC129933588 (ATAC-STARR-seq lymphoblastoid silent region 11411; plus strand). Cytogenetic location: 2p21.
Variant type: Deletion.
Coding change: c.21del on transcript NM_012205.3 (MANE Select); coding-DNA position 21, one base deleted (G; older notation c.21delG).
Protein change: p.Arg8fs; shifts the reading frame from arginine 8.
Molecular consequence: frameshift variant.
Genome position (GRCh38, 1-based): chr2:42,792,516, C deleted on the plus strand (G on the coding strand, the reverse complement: HAAO is on the minus strand). VCF-style (leftmost placement, unchanged base first): chr2-42792515-TC-T. GRCh37 (hg19) VCF-style: chr2-43019655-TC-T.
Other names: short protein forms R8fs.
Identifiers: ClinVar variation 1683650 (VCV001683650.2), dbSNP rs1227604776, ClinGen allele CA532251978.